The following is an entry in ClinVar:

ClinVar aggregate classification (germline): Uncertain significance (1 of 4 stars; one submission).

Conditions:
Primary familial hypertrophic cardiomyopathy (HCM). Identifiers: Orphanet 99739, MedGen C0949658, MeSH D024741, MONDO:0024573. Inheritance: Various modes of inheritance.

gnomAD v4.1: 2 of 1,614,118 alleles (0.00012%); highest among the groups gnomAD compares: Non-Finnish European, 0.00017%; no homozygotes.

Submission:

Labcorp Genetics (formerly Invitae), Labcorp
Classification: Uncertain significance for Primary familial hypertrophic cardiomyopathy. Last evaluated: 2019-03-28. Review status: criteria provided, single submitter. Criteria: Invitae Variant Classification Sherloc (09022015). Collection method: clinical testing. Allele origin: germline.
Comment: This variant has not been reported in the literature in individuals with ILK-related conditions. Algorithms developed to predict the effect of missense changes on protein structure and function (SIFT, PolyPhen-2, Align-GVGD) all suggest that this variant is likely to be disruptive, but these predictions have not been confirmed by published functional studies and their clinical significance is uncertain. In summary, the available evidence is currently insufficient to determine the role of this variant in disease. Therefore, it has been classified as a Variant of Uncertain Significance. This variant is not present in population databases (ExAC no frequency). This sequence change replaces glycine with arginine at codon 57 of the ILK protein (p.Gly57Arg). The glycine residue is highly conserved and there is a moderate physicochemical difference between glycine and arginine.

NM_004517.4(ILK):c.169G>A (p.Gly57Arg)

Genes: ILK (integrin linked kinase; plus strand), TAF10 (TATA-box binding protein associated factor 10; minus strand). Cytogenetic location: 11p15.4.
Variant type: single nucleotide variant.
Coding change: c.169G>A on transcript NM_004517.4 (MANE Select); coding-DNA position 169, G replaced by A.
Protein change: p.Gly57Arg; replaces glycine 57 with arginine.
Molecular consequence: missense variant. On other transcripts: 3 prime UTR variant (1), intron variant (1).
Genome position (GRCh38, 1-based): chr11:6,608,125, G>A. VCF-style: chr11-6608125-G-A. GRCh37 (hg19) VCF-style: chr11-6629355-G-A.
Other names: c.169G>A, p.Gly57Arg (NM_001014794.3, NM_001014795.3, NM_001278441.2); c.*2797C>T (NM_006284.4); c.-147-269G>A (NM_001278442.2); short protein forms G57R.
Identifiers: ClinVar variation 862681 (VCV000862681.10), dbSNP rs778110752, ClinGen allele CA379454995.